The following is an entry in ClinVar:

NM_015346.4(ZFYVE26):c.3069del (p.Pro1024fs)

Gene: ZFYVE26 (zinc finger FYVE-type containing 26; minus strand). Cytogenetic location: 14q24.1.
Variant type: Deletion.
Coding change: c.3069del on transcript NM_015346.4 (MANE Select); coding-DNA position 3069, one base deleted (T; older notation c.3069delT).
Protein change: p.Pro1024fs; shifts the reading frame from proline 1024.
Molecular consequence: frameshift variant.
Genome position (GRCh38, 1-based): chr14:67,786,184, A deleted on the plus strand (T on the coding strand, the reverse complement: ZFYVE26 is on the minus strand); the first of 4 consecutive A bases (chr14:67,786,184-67,786,187); deleting any one gives the same sequence. VCF-style (leftmost placement, unchanged base first): chr14-67786183-GA-G. GRCh37 (hg19) VCF-style: chr14-68252900-GA-G.
Other names: short protein forms P1024fs.
Identifiers: ClinVar variation 5013570 (VCV005013570.1).

ClinVar aggregate classification (germline): Pathogenic (1 of 4 stars; one submission).

Conditions:
Hereditary spastic paraplegia 15 (SPG15). Also called: SPASTIC PARAPLEGIA 15, AUTOSOMAL RECESSIVE; KJELLIN SYNDROME; SPASTIC PARAPLEGIA AND RETINAL DEGENERATION. Identifiers: Orphanet 100996, MedGen C1849128, MONDO:0010044, OMIM 270700.

Submission:

Myriad Genetics, Inc.
Classification: Pathogenic for Hereditary spastic paraplegia 15. Last evaluated: 2024-09-19. Review status: criteria provided, single submitter. Criteria: Myriad Autosomal Dominant, Autosomal Recessive and X-Linked Classification Criteria (2023). Collection method: clinical testing. Allele origin: unknown.
Comment: NM_015346.3(ZFYVE26):c.3069delT(P1024Qfs*49) is expected to be pathogenic in the context of spastic paraplegia type 15. This variant is predicted to lead to an abnormal or absent protein product due to the creation of a premature termination codon in ZFYVE26, a gene where loss-of-function variants are known to be pathogenic. Please note: this variant was assessed in the context of healthy population screening.